The following is an entry in ClinVar:

ClinVar aggregate classification (germline): Benign/Likely benign. Review status: criteria provided, multiple submitters, no conflicts (2 of 4 stars). 3 submissions from 3 submitters: Benign (1); Likely benign (2). Last evaluated 2024-11-01.

Conditions:
Hereditary cancer-predisposing syndrome. Also called: Neoplastic Syndromes, Hereditary; Tumor predisposition; Hereditary neoplastic syndrome; Hereditary Cancer Syndrome. Identifiers: Orphanet 140162, MedGen C0027672, MeSH D009386, MONDO:0015356.
Multiple endocrine neoplasia, type 1 (MEN1). Also called: MEN I; WERMER SYNDROME; Endocrine adenomatosis multiple; MEN 1; MEA I. Identifiers: Orphanet 652, MedGen C0025267, MeSH D018761, MONDO:0007540, OMIM 131100.

Allele frequency attached by ClinVar (database versions not stated): gnomAD exomes 0.00001 and 0.00003; ExAC 0.00005.
gnomAD v4.1: 9 of 1,613,608 alleles (0.00056%); highest among the groups gnomAD compares: Non-Finnish European, 0.00076%; no homozygotes.

Submissions (3):

Myriad Genetics, Inc.
Classification: Benign for Multiple endocrine neoplasia, type 1. Last evaluated: 2024-11-01. Review status: criteria provided, single submitter. Criteria: Myriad Autosomal Dominant, Autosomal Recessive and X-Linked Classification Criteria (2023). Collection method: clinical testing. Allele origin: unknown.
Comment: This variant is considered benign. This variant is a silent/synonymous amino acid change and it is not expected to impact splicing.

Labcorp Genetics (formerly Invitae), Labcorp
Classification: Likely benign for Multiple endocrine neoplasia, type 1. Last evaluated: 2023-12-22. Review status: criteria provided, single submitter. Criteria: Invitae Variant Classification Sherloc (09022015). Collection method: clinical testing. Allele origin: germline.

Ambry Genetics
Classification: Likely benign for Hereditary cancer-predisposing syndrome. Last evaluated: 2019-06-17. Review status: criteria provided, single submitter. Criteria: Ambry Variant Classification Scheme 2023. Collection method: clinical testing. Allele origin: germline.

NM_001370259.2(MEN1):c.474C>T (p.Ala158=)

Gene: MEN1 (menin 1; minus strand). Cytogenetic location: 11q13.1.
Variant type: single nucleotide variant.
Coding change: c.474C>T on transcript NM_001370259.2 (MANE Select); coding-DNA position 474, C replaced by T.
Protein change: p.Ala158=; no amino-acid change (alanine 158 retained).
Molecular consequence: synonymous variant.
Genome position (GRCh38, 1-based): chr11:64,808,071, G>A on the plus strand (C>T on the coding strand, the complement: MEN1 is on the minus strand). VCF-style: chr11-64808071-G-A. GRCh37 (hg19) VCF-style: chr11-64575543-G-A.
Other names: c.489C>T, p.Ala163= (NM_000244.4, NM_130800.3, NM_130801.3 and 3 more transcripts); c.474C>T, p.Ala158= (NM_001370251.2, NM_001370260.2, NM_001370261.2 and 3 more transcripts).
Identifiers: ClinVar variation 527306 (VCV000527306.12), dbSNP rs772526802, ClinGen allele CA061203.